The following is an entry in ClinVar:

ClinVar aggregate classification (germline): Pathogenic. Review status: criteria provided, multiple submitters, no conflicts (2 of 4 stars). 2 submissions from 2 submitters: Pathogenic (2). Last evaluated 2025-10-12.

Conditions:
Asphyxiating thoracic dystrophy 3. Also called: SHORT-RIB THORACIC DYSPLASIA 3/6 WITH POLYDACTYLY, DIGENIC; SHORT-RIB THORACIC DYSPLASIA 3 WITH OR WITHOUT POLYDACTYLY; POLYDACTYLY WITH NEONATAL CHONDRODYSTROPHY, TYPE I; Saldino-Noonan Syndrome; Short rib polydactyly syndrome 2B. Identifiers: Orphanet 474, Orphanet 93269, Orphanet 93270, Orphanet 93271, MedGen C0036069, MONDO:0013127, OMIM 613091.
Jeune thoracic dystrophy. Also called: Jeune syndrome; Infantile thoracic dystrophy; Thoracic pelvic phalangeal dystrophy; Jeune's syndrome; Chondroectodermal dysplasia-like syndrome; Short-rib thoracic dysplasia. Identifiers: Orphanet 474, MedGen C0265275, MONDO:0018770.

gnomAD v4.1: 2 of 1,600,012 alleles (0.00012%); highest among the groups gnomAD compares: Admixed American, 0.0034%; no homozygotes.

Submissions (2):

Labcorp Genetics (formerly Invitae), Labcorp
Classification: Pathogenic for Jeune thoracic dystrophy. Last evaluated: 2025-10-12. Review status: criteria provided, single submitter. Criteria: Invitae Variant Classification Sherloc (09022015). Collection method: clinical testing. Allele origin: germline.
Comment: This sequence change creates a premature translational stop signal (p.Ser1832*) in the DYNC2H1 gene. It is expected to result in an absent or disrupted protein product. Loss-of-function variants in DYNC2H1 are known to be pathogenic (PMID: 23339108, 32753734, 33755199). This variant is not present in population databases (gnomAD no frequency). This variant has not been reported in the literature in individuals affected with DYNC2H1-related conditions. ClinVar contains an entry for this variant (Variation ID: 238272). For these reasons, this variant has been classified as Pathogenic.

Myriad Genetics, Inc.
Classification: Pathogenic for Asphyxiating thoracic dystrophy 3. Last evaluated: 2024-06-09. Review status: criteria provided, single submitter. Criteria: Myriad Autosomal Dominant, Autosomal Recessive and X-Linked Classification Criteria (2023). Collection method: clinical testing. Allele origin: unknown.
Comment: NM_001377.2(DYNC2H1):c.5495C>A(S1832*) is expected to be pathogenic in the context of DYNC2H1-related disorders. This variant is predicted to lead to an abnormal or absent protein product due to the creation of a premature termination codon in DYNC2H1, a gene where loss-of-function variants are known to be pathogenic. Please note: this variant was assessed in the context of healthy population screening.

Literature cited by the submitters: PubMed 23339108 (cited by Labcorp Genetics (formerly Invitae), Labcorp); PubMed 32753734 (cited by Labcorp Genetics (formerly Invitae), Labcorp); PubMed 33755199 (cited by Labcorp Genetics (formerly Invitae), Labcorp).

NM_001377.3(DYNC2H1):c.5495C>A (p.Ser1832Ter)

Gene: DYNC2H1 (dynein cytoplasmic 2 heavy chain 1; plus strand). Cytogenetic location: 11q22.3.
Variant type: single nucleotide variant.
Coding change: c.5495C>A on transcript NM_001377.3 (MANE Select); coding-DNA position 5495, C replaced by A.
Protein change: p.Ser1832Ter; replaces serine 1832 with a stop codon.
Molecular consequence: nonsense.
Genome position (GRCh38, 1-based): chr11:103,173,242, C>A. VCF-style: chr11-103173242-C-A. GRCh37 (hg19) VCF-style: chr11-103043971-C-A.
Other names: c.5495C>A, p.Ser1832Ter (NM_001080463.2); short protein forms S1832*.
Identifiers: ClinVar variation 238272 (VCV000238272.9), dbSNP rs754919042, ClinGen allele CA10582778.